The following is an entry in ClinVar:

ClinVar aggregate classification (germline): Likely pathogenic (1 of 4 stars; one submission).

Conditions:
PCSK1-related disorder. Also called: PCSK1-related condition.

gnomAD v4.1: 1 of 1,613,866 alleles (0.000062%); highest among the groups gnomAD compares: East Asian, 0.0022%; no homozygotes.

Submission:

PreventionGenetics, part of Exact Sciences
Classification: Likely pathogenic for PCSK1-related condition. Last evaluated: 2026-01-15. Review status: criteria provided, single submitter. Criteria: ACMG Guidelines, 2015. Collection method: clinical testing. Allele origin: germline.
Comment: The PCSK1 c.1A>G variant is predicted to disrupt the translation initiation site (Start loss). This variant has been reported in the heterozygous state in an individual with obesity; however, limited clinical information was provided (Kleinendorst et al. 2018. PubMed ID: 29970488). In vitro functional studies showed strong evidence of loss of function (Supplemental Data Set, Shah et al. 2023. PubMed ID: 36864747). Another variant that disrupts the start codon (c.2T>C) has been reported in the homozygous state in two siblings with proprotein convertase 1/3 deficiency (Martín et al. 2013. PubMed ID: 23562752). This variant has not been reported in a large population database, indicating it is rare. This variant is interpreted as likely pathogenic.

NM_000439.5(PCSK1):c.1A>G (p.Met1Val)

Genes: CAST (calpastatin; plus strand), PCSK1 (proprotein convertase subtilisin/kexin type 1; minus strand), LOC101929710 (uncharacterized LOC101929710; plus strand). Cytogenetic location: 5q15.
Variant type: single nucleotide variant.
Coding change: c.1A>G on transcript NM_000439.5 (MANE Select); coding-DNA position 1, A replaced by G.
Protein change: p.Met1Val; changes the start codon (methionine 1).
Molecular consequence: missense variant, initiator codon variant. On other transcripts: intron variant (11).
Genome position (GRCh38, 1-based): chr5:96,433,042, T>C on the plus strand (A>G on the coding strand, the complement: PCSK1 is on the minus strand). VCF-style: chr5-96433042-T-C. GRCh37 (hg19) VCF-style: chr5-95768746-T-C.
Other names: c.-175+53390T>C (NM_001423254.1, NM_001423259.1, NM_001423255.1 and 6 more transcripts); c.-103+53390T>C (NM_001423253.1); c.-40+53390T>C (NM_001423258.1); short protein forms M1V.
Identifiers: ClinVar variation 4978351 (VCV004978351.1).